The following is an entry in ClinVar:

NM_001024630.4(RUNX2):c.524T>C (p.Met175Thr)

Gene: RUNX2 (RUNX family transcription factor 2; plus strand). Cytogenetic location: 6p21.1.
Variant type: single nucleotide variant.
Coding change: c.524T>C on transcript NM_001024630.4 (MANE Select); coding-DNA position 524, T replaced by C.
Protein change: p.Met175Thr; replaces methionine 175 with threonine.
Molecular consequence: missense variant.
Genome position (GRCh38, 1-based): chr6:45,431,963, T>C. VCF-style: chr6-45431963-T-C. GRCh37 (hg19) VCF-style: chr6-45399700-T-C.
Other names: c.524T>C (NM_001024630.3); c.524T>C, p.Met175Thr (NM_001015051.4); c.482T>C, p.Met161Thr (NM_001278478.2, NM_001369405.1, NM_004348.3); short protein forms M175T, M161T.
Identifiers: ClinVar variation 1928652 (VCV001928652.6), dbSNP rs104893989, ClinGen allele CA3836416.

ClinVar aggregate classification (germline): Uncertain significance. Review status: criteria provided, multiple submitters, no conflicts (2 of 4 stars). 2 submissions from 2 submitters: Uncertain significance (2). Last evaluated 2025-10-09.

Conditions:
Inborn genetic diseases. Identifiers: MedGen C0950123, MeSH D030342.

Allele frequency attached by ClinVar (database versions not stated): TOPMed below 0.00001; ExAC 0.00001; gnomAD exomes 0.00003.

Submissions (2):

Labcorp Genetics (formerly Invitae), Labcorp
Classification: Uncertain significance. Last evaluated: 2025-10-09. Review status: criteria provided, single submitter. Criteria: Invitae Variant Classification Sherloc (09022015). Collection method: clinical testing. Allele origin: germline.
Comment: This sequence change replaces methionine, which is neutral and non-polar, with threonine, which is neutral and polar, at codon 175 of the RUNX2 protein (p.Met175Thr). This variant is present in population databases (rs104893989, gnomAD 0.004%). This variant has not been reported in the literature in individuals affected with RUNX2-related conditions. ClinVar contains an entry for this variant (Variation ID: 1928652). Invitae Evidence Modeling of protein sequence and biophysical properties (such as structural, functional, and spatial information, amino acid conservation, physicochemical variation, residue mobility, and thermodynamic stability) indicates that this missense variant is not expected to disrupt RUNX2 protein function with a negative predictive value of 80%. This variant disrupts the p.Met175 amino acid residue in RUNX2. Other variant(s) that disrupt this residue have been observed in individuals with RUNX2-related conditions (PMID: 9207800, 20648631, 32360898), which suggests that this may be a clinically significant amino acid residue. In summary, the available evidence is currently insufficient to determine the role of this variant in disease. Therefore, it has been classified as a Variant of Uncertain Significance.

Ambry Genetics
Classification: Uncertain significance for Inborn genetic diseases. Last evaluated: 2025-03-14. Review status: criteria provided, single submitter. Criteria: Ambry Variant Classification Scheme 2023. Collection method: clinical testing. Allele origin: germline.

Literature cited by the submitters: PubMed 9207800 (cited by Labcorp Genetics (formerly Invitae), Labcorp); PubMed 20648631 (cited by Labcorp Genetics (formerly Invitae), Labcorp); PubMed 32360898 (cited by Labcorp Genetics (formerly Invitae), Labcorp).